The following is an entry in ClinVar:

NM_001348716.2(KDM6B):c.4929A>T (p.Arg1643=)

Gene: KDM6B (lysine demethylase 6B; plus strand). Cytogenetic location: 17p13.1.
Variant type: single nucleotide variant.
Coding change: c.4929A>T on transcript NM_001348716.2 (MANE Select); coding-DNA position 4929, A replaced by T.
Protein change: p.Arg1643=; no amino-acid change (arginine 1643 retained).
Molecular consequence: synonymous variant.
Genome position (GRCh38, 1-based): chr17:7,853,518, A>T. VCF-style: chr17-7853518-A-T. GRCh37 (hg19) VCF-style: chr17-7756836-A-T.
Other names: c.5046A>T, p.Arg1682= (NM_001080424.2).
Identifiers: ClinVar variation 3036653 (VCV003036653.2), dbSNP rs1419601976, ClinGen allele CA497721369.

ClinVar aggregate classification (germline): Likely benign (0 of 4 stars; one submission).

Conditions:
KDM6B-related disorder. Also called: KDM6B-related condition.

Allele frequency attached by ClinVar (database versions not stated): TOPMed 0.00001; gnomAD 0.00003.
gnomAD v4.1: 18 of 1,501,764 alleles (0.0012%); highest among the groups gnomAD compares: East Asian, 0.013%; no homozygotes.

Submission:

PreventionGenetics, part of Exact Sciences
Classification: Likely benign for KDM6B-related condition. Last evaluated: 2024-02-09. Review status: no assertion criteria provided. Collection method: clinical testing. Allele origin: germline.
Comment: This variant is classified as likely benign based on ACMG/AMP sequence variant interpretation guidelines (Richards et al. 2015 PMID: 25741868, with internal and published modifications).